The following is an entry in ClinVar:

ClinVar aggregate classification (germline): Uncertain significance. Review status: criteria provided, multiple submitters, no conflicts (2 of 4 stars). 2 submissions from 2 submitters: Uncertain significance (2). Last evaluated 2025-06-08.

Allele frequency attached by ClinVar (database versions not stated): gnomAD exomes 0.00001; ExAC 0.00006; gnomAD 0.00001; TOPMed 0.00006; 1000 Genomes Project 30x 0.00016; 1000 Genomes Project 0.00020.
gnomAD v4.1: 21 of 1,607,526 alleles (0.0013%); highest among the groups gnomAD compares: East Asian, 0.045%; no homozygotes.

Submissions (2):

Labcorp Genetics (formerly Invitae), Labcorp
Classification: Uncertain significance. Last evaluated: 2025-06-08. Review status: criteria provided, single submitter. Criteria: Invitae Variant Classification Sherloc (09022015). Collection method: clinical testing. Allele origin: germline.
Comment: This sequence change replaces aspartic acid, which is acidic and polar, with tyrosine, which is neutral and polar, at codon 109 of the NAF1 protein (p.Asp109Tyr). This variant is present in population databases (rs558191681, gnomAD 0.1%), and has an allele count higher than expected for a pathogenic variant. This variant has not been reported in the literature in individuals affected with NAF1-related conditions. ClinVar contains an entry for this variant (Variation ID: 3173466). An algorithm developed to predict the effect of missense changes on protein structure and function (PolyPhen-2) suggests that this variant is likely to be tolerated. In summary, the available evidence is currently insufficient to determine the role of this variant in disease. Therefore, it has been classified as a Variant of Uncertain Significance.

Ambry Genetics
Classification: Uncertain significance. Last evaluated: 2024-01-16. Review status: criteria provided, single submitter. Criteria: Ambry Variant Classification Scheme 2023. Collection method: clinical testing. Allele origin: germline.

NM_138386.3(NAF1):c.325G>T (p.Asp109Tyr)

Gene: NAF1 (nuclear assembly factor 1 ribonucleoprotein; minus strand). Cytogenetic location: 4q32.2.
Variant type: single nucleotide variant.
Coding change: c.325G>T on transcript NM_138386.3 (MANE Select); coding-DNA position 325, G replaced by T.
Protein change: p.Asp109Tyr; replaces aspartic acid 109 with tyrosine.
Molecular consequence: missense variant.
Genome position (GRCh38, 1-based): chr4:163,166,403, C>A on the plus strand (G>T on the coding strand, the complement: NAF1 is on the minus strand). VCF-style: chr4-163166403-C-A. GRCh37 (hg19) VCF-style: chr4-164087555-C-A.
Other names: c.325G>T, p.Asp109Tyr (NM_001128931.2); short protein forms D109Y.
Identifiers: ClinVar variation 3173466 (VCV003173466.3), dbSNP rs558191681, ClinGen allele CA3126414.